The following is an entry in ClinVar:

ClinVar aggregate classification (germline): Uncertain significance (1 of 4 stars; one submission).

Submission:

Labcorp Genetics (formerly Invitae), Labcorp
Classification: Uncertain significance. Last evaluated: 2020-09-09. Review status: criteria provided, single submitter. Criteria: Invitae Variant Classification Sherloc (09022015). Collection method: clinical testing. Allele origin: germline.
Comment: In summary, the available evidence is currently insufficient to determine the role of this variant in disease. Therefore, it has been classified as a Variant of Uncertain Significance. Algorithms developed to predict the effect of missense changes on protein structure and function are either unavailable or do not agree on the potential impact of this missense change (SIFT: "Deleterious"; PolyPhen-2: "Probably Damaging"; Align-GVGD: "Class C0"). This variant has not been reported in the literature in individuals with SLC25A12-related conditions. This variant is not present in population databases (ExAC no frequency). This sequence change replaces valine with methionine at codon 536 of the SLC25A12 protein (p.Val536Met). The valine residue is highly conserved and there is a small physicochemical difference between valine and methionine.

NM_003705.5(SLC25A12):c.1606G>A (p.Val536Met)

Gene: SLC25A12 (solute carrier family 25 member 12; minus strand). Cytogenetic location: 2q31.1.
Variant type: single nucleotide variant.
Coding change: c.1606G>A on transcript NM_003705.5 (MANE Select); coding-DNA position 1606, G replaced by A.
Protein change: p.Val536Met; replaces valine 536 with methionine.
Molecular consequence: missense variant. On other transcripts: non-coding transcript variant (1).
Genome position (GRCh38, 1-based): chr2:171,787,927, C>T on the plus strand (G>A on the coding strand, the complement: SLC25A12 is on the minus strand). VCF-style: chr2-171787927-C-T. GRCh37 (hg19) VCF-style: chr2-172644437-C-T.
Other names: short protein forms V536M.
Identifiers: ClinVar variation 1020891 (VCV001020891.6), dbSNP rs748942976, ClinGen allele CA349288204.